The following is an entry in ClinVar:

ClinVar aggregate classification (germline): Benign. Review status: criteria provided, multiple submitters, no conflicts (2 of 4 stars). 3 submissions from 3 submitters: Benign (2). 1 of the submissions does not count toward it. Last evaluated 2019-12-31.

Conditions:
SRPK2-related disorder. Also called: SRPK2-related condition.

Allele frequency attached by ClinVar (database versions not stated): gnomAD 0.00189; TOPMed 0.00301; 1000 Genomes Project 30x 0.01593; 1000 Genomes Project 0.01837; ESP Exome Variant Server 0.00008.
gnomAD v4.1: 4,671 of 1,609,058 alleles (0.29%); highest among the groups gnomAD compares: East Asian, 6.2%; 133 homozygotes.

Submissions (3):

Labcorp Genetics (formerly Invitae), Labcorp
Classification: Benign. Last evaluated: 2019-12-31. Review status: criteria provided, single submitter. Criteria: Invitae Variant Classification Sherloc (09022015). Collection method: clinical testing. Allele origin: germline.

Breakthrough Genomics
Classification: Benign. Review status: criteria provided, single submitter. Criteria: ACMG Guidelines, 2015. Collection method: not provided. Allele origin: germline. Inheritance: Unknown mechanism. Affected: yes.

PreventionGenetics, part of Exact Sciences
Classification: Benign for SRPK2-related condition. Last evaluated: 2020-01-13. Review status: no assertion criteria provided. Collection method: clinical testing. Allele origin: germline. Not counted in ClinVar's aggregate classification.
Comment: This variant is classified as benign based on ACMG/AMP sequence variant interpretation guidelines (Richards et al. 2015 PMID: 25741868, with internal and published modifications).

NM_182692.3(SRPK2):c.342G>A (p.Gly114=)

Gene: SRPK2 (SRSF protein kinase 2; minus strand). Cytogenetic location: 7q22.3.
Variant type: single nucleotide variant.
Coding change: c.342G>A on transcript NM_182692.3 (MANE Select); coding-DNA position 342, G replaced by A.
Protein change: p.Gly114=; no amino-acid change (glycine 114 retained).
Molecular consequence: synonymous variant.
Genome position (GRCh38, 1-based): chr7:105,168,092, C>T on the plus strand (G>A on the coding strand, the complement: SRPK2 is on the minus strand). VCF-style: chr7-105168092-C-T. GRCh37 (hg19) VCF-style: chr7-104808539-C-T.
Other names: c.309G>A, p.Gly103= (NM_001278273.2, NM_001350738.2, NM_001350739.2 and 4 more transcripts); c.453G>A, p.Gly151= (NM_001350740.2); c.342G>A, p.Gly114= (NM_001350741.2); c.420G>A, p.Gly140= (NM_001350742.2, NM_001350746.2).
Identifiers: ClinVar variation 782847 (VCV000782847.7), dbSNP rs56666353, ClinGen allele CA4425474.
Genomic context (GRCh38, chr7:105,168,092, plus strand): 5'-CAAGGCTGTCTCCGTATAATGCTGGGCACTTTTTACAACTTTCATTGCAACAAATCTTTT[C>T]CCCCTAAAAGAAAAAACAAAAAAAGAGTCTATTTATCTATATTATCAGTAGAAAGAATCA-3'
Protein context (NP_872634.1, residues 104-124): STVWLCWDMQ[Gly114=]KRFVAMKVVK